The following is an entry in ClinVar:

NM_000179.3(MSH6):c.1510A>T (p.Lys504Ter)

Gene: MSH6 (mutS homolog 6; plus strand). Cytogenetic location: 2p16.3.
Variant type: single nucleotide variant.
Coding change: c.1510A>T on transcript NM_000179.3 (MANE Select); coding-DNA position 1510, A replaced by T.
Protein change: p.Lys504Ter; replaces lysine 504 with a stop codon.
Molecular consequence: nonsense. On other transcripts: non-coding transcript variant (4), intron variant (1).
Genome position (GRCh38, 1-based): chr2:47,799,493, A>T. VCF-style: chr2-47799493-A-T. GRCh37 (hg19) VCF-style: chr2-48026632-A-T.
Other names: c.1120A>T, p.Lys374Ter (NM_001281492.2); c.604A>T, p.Lys202Ter (NM_001281493.2, NM_001281494.2, NM_001406811.1 and 6 more transcripts); c.1606A>T, p.Lys536Ter (NM_001406795.1, NM_001406802.1); c.1510A>T, p.Lys504Ter (NM_001406796.1, NM_001406798.1, NM_001406800.1 and 4 more transcripts); c.1213A>T, p.Lys405Ter (NM_001406797.1, NM_001406801.1, NM_001406805.1 and 10 more transcripts); c.985A>T, p.Lys329Ter (NM_001406799.1, NM_001406806.1, NM_001406807.1); c.1432A>T, p.Lys478Ter (NM_001406804.1); c.1516A>T, p.Lys506Ter (NM_001406813.1); and 2 more; short protein forms K202*, K329*, K374*, K405*, K448*, K478*, K504*, K506*.
Identifiers: ClinVar variation 2673704 (VCV002673704.3), dbSNP rs1553412902, ClinGen allele CA346746286.
Genomic context (GRCh38, chr2:47,799,493, plus strand): 5'-GAACAGACTGAGACTCCAGAAATGATGGAGGCACGATGTAGAAAGATGGCACATATATCC[A>T]AGTATGATAGAGTGGTGAGGAGGGAGATCTGTAGGATCATTACCAAGGGTACACAGACTT-3'

ClinVar aggregate classification (germline): Pathogenic. Review status: criteria provided, multiple submitters, no conflicts (2 of 4 stars). 2 submissions from 2 submitters: Pathogenic (2). Last evaluated 2023-08-14.

Conditions:
Lynch syndrome 5 (LYNCH5). Also called: Colorectal cancer, hereditary nonpolyposis, type 5; Hereditary non-polyposis colorectal cancer, type 5. Identifiers: Orphanet 144, MedGen C1833477, MONDO:0013710, OMIM 614350. Disease mechanism: loss of function.
Hereditary nonpolyposis colorectal neoplasms. Identifiers: MedGen C0009405, MeSH D003123.

Submissions (2):

Myriad Genetics, Inc.
Classification: Pathogenic for Lynch syndrome 5. Last evaluated: 2023-08-14. Review status: criteria provided, single submitter. Criteria: Myriad Autosomal Dominant, Autosomal Recessive and X-Linked Classification Criteria (2023). Collection method: clinical testing. Allele origin: unknown.
Comment: This variant is considered pathogenic. This variant creates a termination codon and is predicted to result in premature protein truncation.

Laboratorio De Regulación De La Expresión Génica Y Genómica De Cáncer, Departamento De Genética, Facultad De Medicina, Udelar
Classification: Pathogenic for Hereditary nonpolyposis colorectal neoplasms. Last evaluated: 2023-07-18. Review status: criteria provided, single submitter. Criteria: ACMG Guidelines, 2015. Collection method: clinical testing. Allele origin: germline. Affected: yes. Observed: 1 heterozygote.
Comment: Classiffication based on ACMG guidelines. This variant is a novel nonsense mutation. Translation on the altered mRNA would create a small protein (less than half of the wild-type amino acids, 504 of 1360). Probably this mRNA will be subject to non-sense mediated decay. Accordingly, it is predicted to be disease-causing by Mutation Taster, and Human Splicing Finder predicts alteration of auxiliary sequences. Following ACMG guidelines, we classified it as Pathogenic.